The following is an entry in ClinVar:

NM_001367721.1(CASK):c.1794C>T (p.Asn598=)

Gene: CASK (calcium/calmodulin dependent serine protein kinase; minus strand). Cytogenetic location: Xp11.4.
Variant type: single nucleotide variant.
Coding change: c.1794C>T on transcript NM_001367721.1 (MANE Select); coding-DNA position 1794, C replaced by T.
Protein change: p.Asn598=; no amino-acid change (asparagine 598 retained).
Molecular consequence: synonymous variant. On other transcripts: intron variant (2).
Genome position (GRCh38, 1-based): chrX:41,557,044, G>A on the plus strand (C>T on the coding strand, the complement: CASK is on the minus strand). VCF-style: chrX-41557044-G-A. GRCh37 (hg19) VCF-style: chrX-41416297-G-A.
Other names: c.1776C>T, p.Asn592= (NM_001410745.1); c.1794C>T, p.Asn598= (NM_003688.4); c.1720-1409C>T (NM_001126055.3); c.1738-1409C>T (NM_001126054.3).
Identifiers: ClinVar variation 94375 (VCV000094375.24), dbSNP rs143991107, ClinGen allele CA222230.

ClinVar aggregate classification (germline): Benign/Likely benign. Review status: criteria provided, multiple submitters, no conflicts (2 of 4 stars). 6 submissions from 6 submitters: Benign (3); Likely benign (2). 1 of the submissions does not count toward it. Last evaluated 2025-12-13.

Conditions:
Inborn genetic diseases. Identifiers: MedGen C0950123, MeSH D030342.
CASK-related disorder. Also called: CASK-related disorders; CASK-related condition.
Intellectual disability, CASK-related, X-linked. Identifiers: MedGen CN043158.

Allele frequency attached by ClinVar (database versions not stated): 1000 Genomes Project 30x 0.00021; 1000 Genomes Project 0.00026; TOPMed 0.00031; ESP Exome Variant Server 0.00047; gnomAD exomes 0.00059 and 0.00099; gnomAD 0.00070 and 0.00072; ExAC 0.00077.
gnomAD v4.1: 726 of 1,206,876 alleles (0.06%); highest among the groups gnomAD compares: Non-Finnish European, 0.03%; 2 homozygotes.

Submissions (6):

Labcorp Genetics (formerly Invitae), Labcorp
Classification: Benign for Intellectual disability, CASK-related, X-linked. Last evaluated: 2025-12-13. Review status: criteria provided, single submitter. Criteria: Invitae Variant Classification Sherloc (09022015). Collection method: clinical testing. Allele origin: germline.

Blueprint Genetics
Classification: Likely benign. Last evaluated: 2024-11-19. Review status: criteria provided, single submitter. Criteria: ACMG Guidelines, 2015. Collection method: clinical testing. Allele origin: germline.

GeneDx
Classification: Benign. Last evaluated: 2018-08-28. Review status: criteria provided, single submitter. Criteria: GeneDx Variant Classification Process June 2021. Collection method: clinical testing. Allele origin: germline. Affected: yes.

Ambry Genetics
Classification: Benign for Inborn genetic diseases. Last evaluated: 2017-06-30. Review status: criteria provided, single submitter. Criteria: Ambry Variant Classification Scheme 2023. Collection method: clinical testing. Allele origin: germline.

Eurofins Ntd Llc (ga)
Classification: Likely benign. Last evaluated: 2016-01-19. Review status: criteria provided, single submitter. Criteria: EGL Classification Definitions 2015. Collection method: clinical testing. Allele origin: germline. Observed: 2 variant alleles, 1 heterozygote, 1 hemizygote.

PreventionGenetics, part of Exact Sciences
Classification: Likely benign for CASK-related condition. Last evaluated: 2024-02-23. Review status: no assertion criteria provided. Collection method: clinical testing. Allele origin: germline. Not counted in ClinVar's aggregate classification.
Comment: This variant is classified as likely benign based on ACMG/AMP sequence variant interpretation guidelines (Richards et al. 2015 PMID: 25741868, with internal and published modifications).